The following is an entry in ClinVar:

NM_001378452.1(ITPR1):c.*979A>T

Gene: ITPR1 (inositol 1,4,5-trisphosphate receptor type 1; plus strand). Cytogenetic location: 3p26.1.
Variant type: single nucleotide variant.
Coding change: c.*979A>T on transcript NM_001378452.1 (MANE Select); 979 bases downstream of the stop codon, A replaced by T.
Molecular consequence: 3 prime UTR variant.
Genome position (GRCh38, 1-based): chr3:4,847,204, A>T. VCF-style: chr3-4847204-A-T. GRCh37 (hg19) VCF-style: chr3-4888888-A-T.
Other names: c.*979A>T (NM_001099952.4, NM_001168272.2, NM_002222.7).
Identifiers: ClinVar variation 899972 (VCV000899972.4), dbSNP rs147782346, ClinGen allele CA69326453.
Genomic context (GRCh38, chr3:4,847,204, plus strand): 5'-ATCTGAACCAACATGCTACAGTAGCTAAGAAGTATTAAAACTATATACATCCATATAAAG[A>T]TGAAATATGAACTATCTCATTAGAAGTCATAGTTGACCACAGACATGTTATTCTTCTGAA-3'

ClinVar aggregate classification (germline): Benign (1 of 4 stars; one submission).

Conditions:
Autosomal dominant cerebellar ataxia. Also called: Spinocerebellar Ataxia, Dominant. Identifiers: Orphanet 99, MedGen C4087347, MONDO:0020380.

Allele frequency attached by ClinVar (database versions not stated): 1000 Genomes Project 0.00200; gnomAD 0.00202 and 0.00226; 1000 Genomes Project 30x 0.00234; TOPMed 0.00252.

Submission:

Illumina Laboratory Services, Illumina
Classification: Benign for Spinocerebellar Ataxia, Dominant. Last evaluated: 2018-01-13. Review status: criteria provided, single submitter. Criteria: ICSL Variant Classification Criteria 13 December 2019. Collection method: clinical testing. Allele origin: germline.
Comment: This variant was observed in the ICSL laboratory as part of a predisposition screen in an ostensibly healthy population. It had not been previously curated by ICSL or reported in the Human Gene Mutation Database (HGMD: prior to June 1st, 2018), and was therefore a candidate for classification through an automated scoring system. Utilizing variant allele frequency, disease prevalence and penetrance estimates, and inheritance mode, an automated score was calculated to assess if this variant is too frequent to cause the disease. Based on the score and internal cut-off values, a variant classified as benign is not then subjected to further curation. The score for this variant resulted in a classification of benign for this disease.